The following is an entry in ClinVar:

NM_003242.6(TGFBR2):c.1273A>G (p.Met425Val)

Gene: TGFBR2 (transforming growth factor beta receptor 2; plus strand). Cytogenetic location: 3p24.1.
Variant type: single nucleotide variant.
Coding change: c.1273A>G on transcript NM_003242.6 (MANE Select); coding-DNA position 1273, A replaced by G.
Protein change: p.Met425Val; replaces methionine 425 with valine.
Molecular consequence: missense variant.
Genome position (GRCh38, 1-based): chr3:30,674,123, A>G. VCF-style: chr3-30674123-A-G. GRCh37 (hg19) VCF-style: chr3-30715615-A-G.
Other names: c.1273A>G (NM_003242.5); c.1348A>G, p.Met450Val (NM_001024847.3); c.1456A>G, p.Met486Val (NM_001407126.1); c.1381A>G, p.Met461Val (NM_001407127.1); c.1300A>G, p.Met434Val (NM_001407128.1); c.1276A>G, p.Met426Val (NM_001407129.1); c.1273A>G, p.Met425Val (NM_001407130.1); c.1168A>G, p.Met390Val (NM_001407132.1, NM_001407133.1, NM_001407134.1 and 2 more transcripts); and 2 more; short protein forms M425V, M450V, M390V, M434V, M486V, M305V, M330V, M426V.
Identifiers: ClinVar variation 12517 (VCV000012517.13), dbSNP rs104893817, ClinGen allele CA020640.

ClinVar aggregate classification (germline): Pathogenic/Likely pathogenic. Review status: criteria provided, multiple submitters, no conflicts (2 of 4 stars). 4 submissions from 4 submitters: Pathogenic (2); Likely pathogenic (1). 1 of the submissions does not count toward it. Last evaluated 2025-12-22.

Conditions:
Familial thoracic aortic aneurysm and aortic dissection (TAAD). Also called: Thoracic aortic aneurysms and dissections. Identifiers: Orphanet 91387, MedGen C4707243, MONDO:0019625.
Loeys-Dietz syndrome 2 (LDS2). Also called: TGFBR2-Related Loeys-Dietz Syndrome; AORTIC ANEURYSM, FAMILIAL THORACIC 3; MARFAN SYNDROME, TYPE II; Marfan syndrome, type 2 (formerly); Marfan Syndrome type 2; Marfan like connective tissue disorder. Identifiers: Orphanet 284973, Orphanet 558, MedGen C2674574, MONDO:0012427, OMIM 610168.

Submissions (4):

Labcorp Genetics (formerly Invitae), Labcorp
Classification: Pathogenic for Familial thoracic aortic aneurysm and aortic dissection. Last evaluated: 2025-12-22. Review status: criteria provided, single submitter. Criteria: Invitae Variant Classification Sherloc (09022015). Collection method: clinical testing. Allele origin: germline.
Comment: This sequence change replaces methionine, which is neutral and non-polar, with valine, which is neutral and non-polar, at codon 425 of the TGFBR2 protein (p.Met425Val). This variant is not present in population databases (gnomAD no frequency). This missense change has been observed in individuals with clinical features of TGFBR2-related conditions (PMID: 16251899, 18781618; internal data). ClinVar contains an entry for this variant (Variation ID: 12517). Invitae Evidence Modeling of protein sequence and biophysical properties (such as structural, functional, and spatial information, amino acid conservation, physicochemical variation, residue mobility, and thermodynamic stability) indicates that this missense variant is expected to disrupt TGFBR2 protein function with a positive predictive value of 95%. For these reasons, this variant has been classified as Pathogenic.

Ambry Genetics
Classification: Likely pathogenic for Familial thoracic aortic aneurysm and aortic dissection. Last evaluated: 2025-01-14. Review status: criteria provided, single submitter. Criteria: Ambry Variant Classification Scheme 2023. Collection method: clinical testing. Allele origin: germline.
Comment: The p.M425V variant (also known as c.1273A>G), located in coding exon 5 of the TGFBR2 gene, results from an A to G substitution at nucleotide position 1273. The methionine at codon 425 is replaced by valine, an amino acid with highly similar properties. This variant has been reported in subjects with features of Loeys-Dietz syndrome (Disabella E et al. Eur J Hum Genet, 2006 Jan;14:34-8; Stheneur C et al. Hum Mutat, 2008 Nov;29:E284-95; Ambry internal data; external data). This amino acid position is highly conserved in available vertebrate species. In addition, this alteration is predicted to be deleterious by in silico analysis. This variant is considered to be rare based on population cohorts in the Genome Aggregation Database (gnomAD). Based on the majority of available evidence to date, this variant is likely to be pathogenic.

Institute of Human Genetics Munich, TUM University Hospital
Classification: Pathogenic for Loeys-Dietz syndrome 2. Last evaluated: 2024-09-23. Review status: criteria provided, single submitter. Criteria: Classification criteria August 2017. Collection method: clinical testing. Allele origin: germline. Inheritance: Autosomal dominant inheritance. Affected: yes. Observed: 1 variant allele.

OMIM
Classification: Pathogenic for LOEYS-DIETZ SYNDROME 2. Last evaluated: 2006-01-01. Review status: no assertion criteria provided. Collection method: literature only. Allele origin: germline. Not counted in ClinVar's aggregate classification.

Literature cited by the submitters: PubMed 16251899 (cited by 4 submitters); PubMed 18781618 (cited by Labcorp Genetics (formerly Invitae), Labcorp and Ambry Genetics).